The following is an entry in ClinVar:

NM_145038.5(DRC1):c.1013del (p.Lys338fs)

Gene: DRC1 (dynein regulatory complex subunit 1; plus strand). Cytogenetic location: 2p23.3.
Variant type: Deletion.
Coding change: c.1013del on transcript NM_145038.5 (MANE Select); coding-DNA position 1013, one base deleted (A; older notation c.1013delA).
Protein change: p.Lys338fs; shifts the reading frame from lysine 338.
Molecular consequence: frameshift variant.
Genome position (GRCh38, 1-based): chr2:26,440,502, A deleted; the last of 2 consecutive A bases (chr2:26,440,501-26,440,502); deleting either gives the same sequence. VCF-style (leftmost placement, unchanged base first): chr2-26440500-GA-G. GRCh37 (hg19) VCF-style: chr2-26663368-GA-G.
Other names: short protein forms K338fs.
Identifiers: ClinVar variation 2906709 (VCV002906709.3), dbSNP rs1663691728, ClinGen allele CA1239810405.

ClinVar aggregate classification (germline): Pathogenic (1 of 4 stars; one submission).

Conditions:
Primary ciliary dyskinesia. Also called: Ciliary dyskinesia. Identifiers: Orphanet 244, MedGen C0008780, MONDO:0016575, HP:0012265.

Submission:

Labcorp Genetics (formerly Invitae), Labcorp
Classification: Pathogenic for Primary ciliary dyskinesia. Last evaluated: 2023-12-15. Review status: criteria provided, single submitter. Criteria: Invitae Variant Classification Sherloc (09022015). Collection method: clinical testing. Allele origin: germline.
Comment: This sequence change creates a premature translational stop signal (p.Lys338Argfs*14) in the DRC1 gene. It is expected to result in an absent or disrupted protein product. Loss-of-function variants in DRC1 are known to be pathogenic (PMID: 23354437, 31960620). This variant is not present in population databases (gnomAD no frequency). This variant has not been reported in the literature in individuals affected with DRC1-related conditions. For these reasons, this variant has been classified as Pathogenic.

Literature cited by the submitters: PubMed 23354437; PubMed 31960620.